The following is an entry in ClinVar:

Single allele

Gene: TRH-GTG2-1 (tRNA-His (GTG) 2-1). Cytogenetic location: 1q21.2.
Variant type: Deletion.
Identifiers: ClinVar variation 156755 (VCV000156755.2).

ClinVar aggregate classification (germline): not provided. Review status: no classification provided (0 of 4 stars). 3 submissions from 1 submitter: not provided (3).

Conditions:
Normal pregnancy. Identifiers: MedGen C0232989.
Large for gestational age. Identifiers: MedGen C1848395, HP:0001520.
Gestational diabetes mellitus uncontrolled. Identifiers: MedGen C3532257.

Submissions (3):

Institute of Molecular and Cell Biology, University of Tartu
No classification provided. Condition: Normal pregnancy. Review status: no classification provided. Collection method: case-control. Allele origin: unknown. Affected: yes. Study: Kasak2014.
Comment: The study aimed to determine the contribution of copy number variants in the genetic etiology of normal and complicated pregnancies. The samples represented (i) maternal blood DNA drawn from healthy pregnant women during 1st or 2nd trimester and (ii) maternal and paternal blood DNA drawn at term pregnancy cases representing normal and complicated gestations (severe preeclampsia, PE; gestational diabetes, GD; small-for-gestational age newborn, SGA; large-for-gestational age newborn, LGA). We performed CNV calling based on genome-wide genotyping dataset (Illumina HumanOmniExpress-24-v1 BeadChip) by applying three algorithms, QuantiSNP, GADA (Genome Alteration Detection Algorithm) and CNstream in parallel. The acquired CNV calls were merged with HD-CNV (Hotspot Detector for Copy Number Variants) program and only the CNVs predicted by at least two programs, were considered in subsequent analysis.

Institute of Molecular and Cell Biology, University of Tartu
No classification provided. Condition: Large for gestational age. Review status: no classification provided. Collection method: case-control. Allele origin: unknown. Affected: yes. Study: Kasak2014.
Comment: the same text as in the submission from Institute of Molecular and Cell Biology, University of Tartu above.

Institute of Molecular and Cell Biology, University of Tartu
No classification provided. Condition: Gestational diabetes mellitus uncontrolled. Review status: no classification provided. Collection method: case-control. Allele origin: unknown. Affected: yes. Study: Kasak2014.
Comment: the same text as in the submission from Institute of Molecular and Cell Biology, University of Tartu above.

Literature cited by the submitters: PubMed 25666259.